The following is an entry in ClinVar:

ClinVar aggregate classification (germline): Likely benign (1 of 4 stars; one submission).

Submission:

GeneDx
Classification: Likely benign. Last evaluated: 2017-11-28. Review status: criteria provided, single submitter. Criteria: GeneDx Variant Classification (06012015). Collection method: clinical testing. Allele origin: germline. Affected: yes.
Comment: This variant is considered likely benign or benign based on one or more of the following criteria: it is a conservative change, it occurs at a poorly conserved position in the protein, it is predicted to be benign by multiple in silico algorithms, and/or has population frequency not consistent with disease.

NM_001482.3(GATM):c.-1G>C

Genes: GATM (glycine amidinotransferase; minus strand), LOC130056991 (ATAC-STARR-seq lymphoblastoid silent region 6406; plus strand). Cytogenetic location: 15q21.1.
Variant type: single nucleotide variant.
Coding change: c.-1G>C on transcript NM_001482.3 (MANE Select); 1 bases upstream of the start codon, G replaced by C.
Molecular consequence: 5 prime UTR variant. On other transcripts: intron variant (1).
Genome position (GRCh38, 1-based): chr15:45,378,454, C>G on the plus strand (G>C on the coding strand, the complement: GATM is on the minus strand). VCF-style: chr15-45378454-C-G. GRCh37 (hg19) VCF-style: chr15-45670652-C-G.
Other names: c.-318-1635G>C (NM_001321015.2).
Identifiers: ClinVar variation 513688 (VCV000513688.1), dbSNP rs778453861, ClinGen allele CA658798327.